The following is an entry in ClinVar:

NM_006431.3(CCT2):c.1379A>T (p.Asp460Val)

Gene: CCT2 (chaperonin containing TCP1 subunit 2; plus strand). Cytogenetic location: 12q15.
Variant type: single nucleotide variant.
Coding change: c.1379A>T on transcript NM_006431.3 (MANE Select); coding-DNA position 1379, A replaced by T.
Protein change: p.Asp460Val; replaces aspartic acid 460 with valine.
Molecular consequence: missense variant.
Genome position (GRCh38, 1-based): chr12:69,598,365, A>T. VCF-style: chr12-69598365-A-T. GRCh37 (hg19) VCF-style: chr12-69992145-A-T.
Other names: c.1238A>T, p.Asp413Val (NM_001198842.2); short protein forms D413V, D460V.
Identifiers: ClinVar variation 1022029 (VCV001022029.6), dbSNP rs769606657, ClinGen allele CA6680854.

ClinVar aggregate classification (germline): Uncertain significance (1 of 4 stars; one submission).

Allele frequency attached by ClinVar (database versions not stated): gnomAD exomes below 0.00001 and 0.00002; gnomAD 0.00001; ExAC 0.00002.
gnomAD v4.1: 6 of 1,605,766 alleles (0.00037%); highest among the groups gnomAD compares: East Asian, 0.013%; no homozygotes.

Submission:

Labcorp Genetics (formerly Invitae), Labcorp
Classification: Uncertain significance. Last evaluated: 2023-01-06. Review status: criteria provided, single submitter. Criteria: Invitae Variant Classification Sherloc (09022015). Collection method: clinical testing. Allele origin: germline.
Comment: In summary, the available evidence is currently insufficient to determine the role of this variant in disease. Therefore, it has been classified as a Variant of Uncertain Significance. Algorithms developed to predict the effect of missense changes on protein structure and function are either unavailable or do not agree on the potential impact of this missense change (SIFT: "Deleterious"; PolyPhen-2: "Benign"; Align-GVGD: "Class C25"). ClinVar contains an entry for this variant (Variation ID: 1022029). This variant has not been reported in the literature in individuals affected with CCT2-related conditions. This variant is present in population databases (rs769606657, gnomAD 0.03%). This sequence change replaces aspartic acid, which is acidic and polar, with valine, which is neutral and non-polar, at codon 460 of the CCT2 protein (p.Asp460Val).